The following is an entry in ClinVar:

NM_000030.3(AGXT):c.751T>C (p.Trp251Arg)

Gene: AGXT (alanine--glyoxylate aminotransferase; plus strand). Cytogenetic location: 2q37.3.
Variant type: single nucleotide variant.
Coding change: c.751T>C on transcript NM_000030.3 (MANE Select); coding-DNA position 751, T replaced by C.
Protein change: p.Trp251Arg; replaces tryptophan 251 with arginine.
Molecular consequence: missense variant.
Genome position (GRCh38, 1-based): chr2:240,875,179, T>C. VCF-style: chr2-240875179-T-C. GRCh37 (hg19) VCF-style: chr2-241814596-T-C.
Other names: short protein forms W251R.
Identifiers: ClinVar variation 1511903 (VCV001511903.8), dbSNP rs762757818, ClinGen allele CA2209226.
Genomic context (GRCh38, chr2:240,875,179, plus strand): 5'-TACTCCCGCAAGACGAAGCCCTTCTCCTTCTACCTGGACATCAAGTGGCTGGCCAACTTC[T>C]GGGGCTGTGACGACCAGCCCAGGATGTGAGGCCTGGCAGGGATGGGAAGGTGGAGGGCGC-3'
Protein context (NP_000021.1, residues 241-261): YLDIKWLANF[Trp251Arg]GCDDQPRMYH

ClinVar aggregate classification (germline): Likely pathogenic (1 of 4 stars; one submission).

Allele frequency attached by ClinVar (database versions not stated): gnomAD exomes below 0.00001; ExAC 0.00001.
gnomAD v4.1: 1 of 1,613,834 alleles (0.000062%); highest among the groups gnomAD compares: Non-Finnish European, 0.000085%; no homozygotes.

Submission:

Labcorp Genetics (formerly Invitae), Labcorp
Classification: Likely pathogenic. Last evaluated: 2022-08-04. Review status: criteria provided, single submitter. Criteria: Invitae Variant Classification Sherloc (09022015). Collection method: clinical testing. Allele origin: germline.
Comment: This sequence change replaces tryptophan, which is neutral and slightly polar, with arginine, which is basic and polar, at codon 251 of the AGXT protein (p.Trp251Arg). This variant is present in population databases (rs762757818, gnomAD 0.0009%). This variant has not been reported in the literature in individuals affected with AGXT-related conditions. ClinVar contains an entry for this variant (Variation ID: 1511903). Advanced modeling of protein sequence and biophysical properties (such as structural, functional, and spatial information, amino acid conservation, physicochemical variation, residue mobility, and thermodynamic stability) performed at Invitae indicates that this missense variant is expected to disrupt AGXT protein function. This variant disrupts the p.Trp251 amino acid residue in AGXT. Other variant(s) that disrupt this residue have been determined to be pathogenic (PMID: 22685354). This suggests that this residue is clinically significant, and that variants that disrupt this residue are likely to be disease-causing. In summary, the currently available evidence indicates that the variant is pathogenic, but additional data are needed to prove that conclusively. Therefore, this variant has been classified as Likely Pathogenic.

Literature cited by the submitters: PubMed 22685354.